The following is an entry in ClinVar:

ClinVar aggregate classification (germline): Likely benign (1 of 4 stars; one submission).

Allele frequency attached by ClinVar (database versions not stated): ESP Exome Variant Server 0.00103; gnomAD 0.00148; 1000 Genomes Project 0.00180; gnomAD exomes 0.00186; 1000 Genomes Project 30x 0.00219.

Submission:

CeGaT Center for Human Genetics Tuebingen
Classification: Likely benign. Last evaluated: 2022-06-01. Review status: criteria provided, single submitter. Criteria: CeGaT Center For Human Genetics Tuebingen Variant Classification Criteria Version 2. Collection method: clinical testing. Allele origin: germline. Affected: yes. Observed: 1 variant allele.
Comment: GOLGA6B: BP4, BS2

NM_018652.5(GOLGA6B):c.2020C>T (p.Pro674Ser)

Gene: GOLGA6B (golgin A6 family member B; plus strand). Cytogenetic location: 15q24.1.
Variant type: single nucleotide variant.
Coding change: c.2020C>T on transcript NM_018652.5 (MANE Select); coding-DNA position 2020, C replaced by T.
Protein change: p.Pro674Ser; replaces proline 674 with serine.
Molecular consequence: missense variant.
Genome position (GRCh38, 1-based): chr15:72,666,280, C>T. VCF-style: chr15-72666280-C-T. GRCh37 (hg19) VCF-style: chr15-72958621-C-T.
Other names: short protein forms P674S.
Identifiers: ClinVar variation 2645514 (VCV002645514.24), dbSNP rs200621607, ClinGen allele CA7646271.